The following is an entry in ClinVar:

NM_213720.3(CHCHD10):c.31C>T (p.Arg11Trp)

Gene: CHCHD10 (coiled-coil-helix-coiled-coil-helix domain containing 10; minus strand). Cytogenetic location: 22q11.23.
Variant type: single nucleotide variant.
Coding change: c.31C>T on transcript NM_213720.3 (MANE Select); coding-DNA position 31, C replaced by T.
Protein change: p.Arg11Trp; replaces arginine 11 with tryptophan.
Molecular consequence: missense variant. On other transcripts: non-coding transcript variant (2).
Genome position (GRCh38, 1-based): chr22:23,767,844, G>A on the plus strand (C>T on the coding strand, the complement: CHCHD10 is on the minus strand). VCF-style: chr22-23767844-G-A. GRCh37 (hg19) VCF-style: chr22-24110031-G-A.
Other names: p.Arg11Trp; c.31C>T, p.Arg11Trp (NM_001301339.2); c.31C>T (NM_213720.1); short protein forms R11W.
Identifiers: ClinVar variation 2683560 (VCV002683560.2), dbSNP rs951686050, ClinGen allele CA322574449.

ClinVar aggregate classification (germline): Uncertain significance. Review status: criteria provided, multiple submitters, no conflicts (2 of 4 stars). 2 submissions from 2 submitters: Uncertain significance (2). Last evaluated 2025-09-09.

Conditions:
Inborn genetic diseases. Identifiers: MedGen C0950123, MeSH D030342.

Allele frequency attached by ClinVar (database versions not stated): gnomAD 0.00001; TOPMed 0.00001.
gnomAD v4.1: 4 of 1,521,686 alleles (0.00026%); highest among the groups gnomAD compares: African/African-American, 0.0014%; no homozygotes.

Submissions (2):

Ambry Genetics
Classification: Uncertain significance for Inborn genetic diseases. Last evaluated: 2025-09-09. Review status: criteria provided, single submitter. Criteria: Ambry Variant Classification Scheme 2023. Collection method: clinical testing. Allele origin: germline.

Mayo Clinic Laboratories, Mayo Clinic
Classification: Uncertain significance. Last evaluated: 2023-02-10. Review status: criteria provided, single submitter. Criteria: ACMG Guidelines, 2015. Collection method: clinical testing. Allele origin: germline. Observed: 1 variant allele.
Comment: BP4, PM2